The following is an entry in ClinVar:

ClinVar aggregate classification (germline): Pathogenic/Likely pathogenic. Review status: criteria provided, multiple submitters, no conflicts (2 of 4 stars). 2 submissions from 2 submitters: Pathogenic (1); Likely pathogenic (1). Last evaluated 2025-12-11.

Conditions:
Alport syndrome. Also called: Hemorrhagic familial nephritis; Hemorrhagic hereditary nephritis; Congenital hereditary hematuria. Identifiers: Orphanet 63, MedGen C1567741, MONDO:0018965.

Allele frequency attached by ClinVar (database versions not stated): gnomAD exomes below 0.00001.
gnomAD v4.1: 2 of 1,613,990 alleles (0.00012%); highest among the groups gnomAD compares: East Asian, 0.0022%; no homozygotes.

Submissions (2):

Labcorp Genetics (formerly Invitae), Labcorp
Classification: Pathogenic. Last evaluated: 2025-12-11. Review status: criteria provided, single submitter. Criteria: Invitae Variant Classification Sherloc (09022015). Collection method: clinical testing. Allele origin: germline.
Comment: This sequence change replaces glycine, which is neutral and non-polar, with arginine, which is basic and polar, at codon 1080 of the COL4A3 protein (p.Gly1080Arg). This variant is present in population databases (no rsID available, gnomAD 0.003%). This missense change has been observed in individual(s) with clinical features of Alport syndrome (PMID: 24854265, 35090027; internal data). In at least one individual the data is consistent with being in trans (on the opposite chromosome) from a pathogenic variant. ClinVar contains an entry for this variant (Variation ID: 1455982). Invitae Evidence Modeling of protein sequence and biophysical properties (such as structural, functional, and spatial information, amino acid conservation, physicochemical variation, residue mobility, and thermodynamic stability) indicates that this missense variant is expected to disrupt COL4A3 protein function with a positive predictive value of 80%. This variant disrupts the p.Gly1080 amino acid residue in COL4A3. Other variant(s) that disrupt this residue have been observed in individuals with COL4A3-related conditions (PMID: 24033287), which suggests that this may be a clinically significant amino acid residue. For these reasons, this variant has been classified as Pathogenic.

Natera, Inc.
Classification: Likely pathogenic for Alport syndrome. Last evaluated: 2025-10-02. Review status: criteria provided, single submitter. Criteria: Natera Variant Classification Schema (03/2026). Collection method: clinical testing. Allele origin: germline.
Comment: The c.3238G>A variant in COL4A3 is a missense variant predicted to cause substitution of glycine to arginine at amino acid 1080. This variant is rare in the general population with a frequency below the threshold expected for the associated phenotype(s). This variant has been observed in affected individual(s) with monoallelic occurrence (heterozygous/hemizygous) (PMID: 35090027, 24854265). This variant is located in a functionally critical region of the protein. Computational prediction algorithms indicate this variant is likely to affect gene or protein function. Given the available evidence, this variant is classified as Likely Pathogenic.

Literature cited by the submitters: PubMed 24854265 (cited by Labcorp Genetics (formerly Invitae), Labcorp and Natera, Inc.); PubMed 35090027 (cited by Labcorp Genetics (formerly Invitae), Labcorp and Natera, Inc.); PubMed 24033287 (cited by Labcorp Genetics (formerly Invitae), Labcorp).

NM_000091.5(COL4A3):c.3238G>A (p.Gly1080Arg)

Genes: COL4A3 (collagen type IV alpha 3 chain; plus strand), MFF-DT (MFF divergent transcript; minus strand). Cytogenetic location: 2q36.3.
Variant type: single nucleotide variant.
Coding change: c.3238G>A on transcript NM_000091.5 (MANE Select); coding-DNA position 3238, G replaced by A.
Protein change: p.Gly1080Arg; replaces glycine 1080 with arginine.
Molecular consequence: missense variant.
Genome position (GRCh38, 1-based): chr2:227,293,218, G>A. VCF-style: chr2-227293218-G-A. GRCh37 (hg19) VCF-style: chr2-228157934-G-A.
Other names: c.3238G>A (NM_000091.4); short protein forms G1080R.
Identifiers: ClinVar variation 1455982 (VCV001455982.7), dbSNP rs1267839034, ClinGen allele CA350857302.